The following is an entry in ClinVar:

ClinVar aggregate classification (germline): Uncertain significance. Review status: criteria provided, multiple submitters, no conflicts (2 of 4 stars). 2 submissions from 2 submitters: Uncertain significance (2). Last evaluated 2025-04-24.

Conditions:
Inborn genetic diseases. Identifiers: MedGen C0950123, MeSH D030342.

Allele frequency attached by ClinVar (database versions not stated): TOPMed below 0.00001; gnomAD 0.00001; gnomAD exomes 0.00001.
gnomAD v4.1: 6 of 1,613,992 alleles (0.00037%); highest among the groups gnomAD compares: Admixed American, 0.01%; no homozygotes.

Submissions (2):

Ambry Genetics
Classification: Uncertain significance for Inborn genetic diseases. Last evaluated: 2025-04-24. Review status: criteria provided, single submitter. Criteria: Ambry Variant Classification Scheme 2023. Collection method: clinical testing. Allele origin: germline.

Labcorp Genetics (formerly Invitae), Labcorp
Classification: Uncertain significance. Last evaluated: 2024-02-24. Review status: criteria provided, single submitter. Criteria: Invitae Variant Classification Sherloc (09022015). Collection method: clinical testing. Allele origin: germline.
Comment: This sequence change replaces glycine, which is neutral and non-polar, with alanine, which is neutral and non-polar, at codon 707 of the CDHR1 protein (p.Gly707Ala). This variant is present in population databases (no rsID available, gnomAD 0.01%). This variant has not been reported in the literature in individuals affected with CDHR1-related conditions. ClinVar contains an entry for this variant (Variation ID: 861121). Advanced modeling of protein sequence and biophysical properties (such as structural, functional, and spatial information, amino acid conservation, physicochemical variation, residue mobility, and thermodynamic stability) performed at Invitae indicates that this missense variant is not expected to disrupt CDHR1 protein function with a negative predictive value of 80%. In summary, the available evidence is currently insufficient to determine the role of this variant in disease. Therefore, it has been classified as a Variant of Uncertain Significance.

NM_033100.4(CDHR1):c.2120G>C (p.Gly707Ala)

Gene: CDHR1 (cadherin related family member 1; plus strand). Cytogenetic location: 10q23.1.
Variant type: single nucleotide variant.
Coding change: c.2120G>C on transcript NM_033100.4 (MANE Select); coding-DNA position 2120, G replaced by C.
Protein change: p.Gly707Ala; replaces glycine 707 with alanine.
Molecular consequence: missense variant. On other transcripts: intron variant (1).
Genome position (GRCh38, 1-based): chr10:84,214,161, G>C. VCF-style: chr10-84214161-G-C. GRCh37 (hg19) VCF-style: chr10-85973917-G-C.
Other names: c.2040+813G>C (NM_001171971.3); c.2120G>C (NM_033100.2); short protein forms G707A.
Identifiers: ClinVar variation 861121 (VCV000861121.10), dbSNP rs1395358747, ClinGen allele CA377379293.